The following is an entry in ClinVar:

ClinVar aggregate classification (germline): Uncertain significance (1 of 4 stars; one submission).

Submission:

GeneDx
Classification: Uncertain significance. Last evaluated: 2023-10-23. Review status: criteria provided, single submitter. Criteria: GeneDx Variant Classification Process June 2021. Collection method: clinical testing. Allele origin: germline. Affected: yes.
Comment: Not observed at significant frequency in large population cohorts (gnomAD); In silico analysis supports that this missense variant has a deleterious effect on protein structure/function; Has not been previously published as pathogenic or benign to our knowledge

NM_006734.4(HIVEP2):c.6353C>T (p.Ser2118Phe)

Gene: HIVEP2 (HIVEP zinc finger 2; minus strand). Cytogenetic location: 6q24.2.
Variant type: single nucleotide variant.
Coding change: c.6353C>T on transcript NM_006734.4 (MANE Select); coding-DNA position 6353, C replaced by T.
Protein change: p.Ser2118Phe; replaces serine 2118 with phenylalanine.
Molecular consequence: missense variant.
Genome position (GRCh38, 1-based): chr6:142,759,935, G>A on the plus strand (C>T on the coding strand, the complement: HIVEP2 is on the minus strand). VCF-style: chr6-142759935-G-A. GRCh37 (hg19) VCF-style: chr6-143081072-G-A.
Other names: short protein forms S2118F.
Identifiers: ClinVar variation 3363312 (VCV003363312.1).